The following is an entry in ClinVar:

ClinVar aggregate classification (germline): Benign. Review status: criteria provided, multiple submitters, no conflicts (2 of 4 stars). 7 submissions from 6 submitters: Benign (7). Last evaluated 2026-02-04.

Conditions:
Isolated focal non-epidermolytic palmoplantar keratoderma. Also called: Palmoplantar keratoderma, nonepidermolytic, focal 2. Identifiers: Orphanet 448264, MedGen C4225339, MONDO:0014622, OMIM 616400.
Olmsted syndrome 1. Identifiers: Orphanet 659, MedGen C5542829, MONDO:0100296, OMIM 614594.

Allele frequency attached by ClinVar (database versions not stated): ESP Exome Variant Server 0.52945; gnomAD exomes 0.53993 and 0.59011; gnomAD 0.54548 and 0.55491; TOPMed 0.56995; ExAC 0.59989; 1000 Genomes Project 30x 0.65631; 1000 Genomes Project 0.66893.
gnomAD v4.1: 874,922 of 1,612,890 alleles (54%); highest among the groups gnomAD compares: East Asian, 96%; 244,216 homozygotes.

Submissions (7):

Labcorp Genetics (formerly Invitae), Labcorp
Classification: Benign. Last evaluated: 2026-02-04. Review status: criteria provided, single submitter. Criteria: Invitae Variant Classification Sherloc (09022015). Collection method: clinical testing. Allele origin: germline.

Blueprint Genetics
Classification: Benign. Last evaluated: 2024-11-28. Review status: criteria provided, single submitter. Criteria: ACMG Guidelines, 2015. Collection method: clinical testing. Allele origin: germline.

Genome-Nilou Lab
Classification: Benign for Isolated focal non-epidermolytic palmoplantar keratoderma. Last evaluated: 2021-09-10. Review status: criteria provided, single submitter. Criteria: ACMG Guidelines, 2015. Collection method: clinical testing. Allele origin: germline. Affected: no.

Genome-Nilou Lab
Classification: Benign for Olmsted syndrome 1. Last evaluated: 2021-09-10. Review status: criteria provided, single submitter. Criteria: ACMG Guidelines, 2015. Collection method: clinical testing. Allele origin: germline. Affected: no.

GeneDx
Classification: Benign. Last evaluated: 2018-11-12. Review status: criteria provided, single submitter. Criteria: GeneDx Variant Classification Process June 2021. Collection method: clinical testing. Allele origin: germline. Affected: yes.

Illumina Laboratory Services, Illumina
Classification: Benign for Isolated focal non-epidermolytic palmoplantar keratoderma. Last evaluated: 2018-01-13. Review status: criteria provided, single submitter. Criteria: ICSL Variant Classification Criteria 13 December 2019. Collection method: clinical testing. Allele origin: germline.
Comment: This variant was observed in the ICSL laboratory as part of a predisposition screen in an ostensibly healthy population. It had not been previously curated by ICSL or reported in the Human Gene Mutation Database (HGMD: prior to June 1st, 2018), and was therefore a candidate for classification through an automated scoring system. Utilizing variant allele frequency, disease prevalence and penetrance estimates, and inheritance mode, an automated score was calculated to assess if this variant is too frequent to cause the disease. Based on the score and internal cut-off values, a variant classified as benign is not then subjected to further curation. The score for this variant resulted in a classification of benign for this disease.

Breakthrough Genomics
Classification: Benign. Review status: criteria provided, single submitter. Criteria: ACMG Guidelines, 2015. Collection method: not provided. Allele origin: germline. Inheritance: Autosomal dominant inheritance. Affected: yes.

NM_145068.4(TRPV3):c.1923C>T (p.Asp641=)

Gene: TRPV3 (transient receptor potential cation channel subfamily V member 3; minus strand). Cytogenetic location: 17p13.2.
Variant type: single nucleotide variant.
Coding change: c.1923C>T on transcript NM_145068.4 (MANE Select); coding-DNA position 1923, C replaced by T.
Protein change: p.Asp641=; no amino-acid change (aspartic acid 641 retained).
Molecular consequence: synonymous variant.
Genome position (GRCh38, 1-based): chr17:3,518,738, G>A on the plus strand (C>T on the coding strand, the complement: TRPV3 is on the minus strand). VCF-style: chr17-3518738-G-A. GRCh37 (hg19) VCF-style: chr17-3422032-G-A.
Other names: c.1923C>T, p.Asp641= (NM_001258205.2).
Identifiers: ClinVar variation 322758 (VCV000322758.19), dbSNP rs7216486, ClinGen allele CA8289269.